The following is an entry in ClinVar:

ClinVar aggregate classification (germline): Uncertain significance (1 of 4 stars; one submission).

Submission:

Labcorp Genetics (formerly Invitae), Labcorp
Classification: Uncertain significance. Last evaluated: 2023-09-30. Review status: criteria provided, single submitter. Criteria: Invitae Variant Classification Sherloc (09022015). Collection method: clinical testing. Allele origin: germline.
Comment: This variant has not been reported in the literature in individuals affected with TNNI3K-related conditions. This sequence change replaces glycine, which is neutral and non-polar, with valine, which is neutral and non-polar, at codon 544 of the TNNI3K protein (p.Gly544Val). This variant is not present in population databases (gnomAD no frequency). Advanced modeling of protein sequence and biophysical properties (such as structural, functional, and spatial information, amino acid conservation, physicochemical variation, residue mobility, and thermodynamic stability) has been performed at Invitae for this missense variant, however the output from this modeling did not meet the statistical confidence thresholds required to predict the impact of this variant on TNNI3K protein function. In summary, the available evidence is currently insufficient to determine the role of this variant in disease. Therefore, it has been classified as a Variant of Uncertain Significance.

NM_015978.3(TNNI3K):c.1631G>T (p.Gly544Val)

Genes: FPGT-TNNI3K (FPGT-TNNI3K readthrough; plus strand), TNNI3K (TNNI3 interacting kinase; plus strand). Cytogenetic location: 1p31.1.
Variant type: single nucleotide variant.
Coding change: c.1631G>T on transcript NM_015978.3 (MANE Select); coding-DNA position 1631, G replaced by T.
Protein change: p.Gly544Val; replaces glycine 544 with valine.
Molecular consequence: missense variant.
Genome position (GRCh38, 1-based): chr1:74,369,549, G>T. VCF-style: chr1-74369549-G-T. GRCh37 (hg19) VCF-style: chr1-74835233-G-T.
Other names: c.1934G>T, p.Gly645Val (NM_001112808.3, NM_001199327.2); short protein forms G544V, G645V.
Identifiers: ClinVar variation 2764566 (VCV002764566.3), dbSNP rs2100520855, ClinGen allele CA340786396.